The following is an entry in ClinVar:

NM_020975.6(RET):c.817C>A (p.Pro273Thr)

Gene: RET (ret proto-oncogene; plus strand). Cytogenetic location: 10q11.21.
Variant type: single nucleotide variant.
Coding change: c.817C>A on transcript NM_020975.6 (MANE Select); coding-DNA position 817, C replaced by A.
Protein change: p.Pro273Thr; replaces proline 273 with threonine.
Molecular consequence: missense variant.
Genome position (GRCh38, 1-based): chr10:43,105,143, C>A. VCF-style: chr10-43105143-C-A. GRCh37 (hg19) VCF-style: chr10-43600591-C-A.
Other names: c.817C>A, p.Pro273Thr (NM_000323.2, NM_001406743.1, NM_001406744.1 and 8 more transcripts); c.55C>A, p.Pro19Thr (NM_001355216.2); c.688C>A, p.Pro230Thr (NM_001406761.1, NM_001406762.1, NM_001406764.1 and 2 more transcripts); c.529C>A, p.Pro177Thr (NM_001406766.1, NM_001406767.1, NM_001406770.1); short protein forms P273T, P19T, P230T, P177T.
Identifiers: ClinVar variation 863875 (VCV000863875.10), dbSNP rs1588866219, ClinGen allele CA376545192.

ClinVar aggregate classification (germline): Uncertain significance (1 of 4 stars; one submission).

Conditions:
Multiple endocrine neoplasia, type 2 (MEN2). Identifiers: Orphanet 653, MedGen C4048306, MONDO:0019003. Disease mechanism: gain of function.

Submission:

Labcorp Genetics (formerly Invitae), Labcorp
Classification: Uncertain significance for Multiple endocrine neoplasia, type 2. Last evaluated: 2019-03-25. Review status: criteria provided, single submitter. Criteria: Invitae Variant Classification Sherloc (09022015). Collection method: clinical testing. Allele origin: germline.
Comment: In summary, the available evidence is currently insufficient to determine the role of this variant in disease. Therefore, it has been classified as a Variant of Uncertain Significance. Algorithms developed to predict the effect of missense changes on protein structure and function (SIFT, PolyPhen-2, Align-GVGD) all suggest that this variant is likely to be tolerated, but these predictions have not been confirmed by published functional studies and their clinical significance is uncertain. This variant has not been reported in the literature in individuals with RET-related conditions. This variant is not present in population databases (ExAC no frequency). This sequence change replaces proline with threonine at codon 273 of the RET protein (p.Pro273Thr). The proline residue is weakly conserved and there is a small physicochemical difference between proline and threonine.